The following is an entry in ClinVar:

ClinVar aggregate classification (germline): Likely benign (1 of 4 stars; one submission).

Conditions:
Pyruvate dehydrogenase E1-beta deficiency (PDHBD). Identifiers: Orphanet 255138, Orphanet 765, MedGen C3279841, MONDO:0013580, OMIM 614111.

Allele frequency attached by ClinVar (database versions not stated): gnomAD 0.00017 and 0.00027; TOPMed 0.00028; gnomAD exomes 0.00078 and 0.00099; 1000 Genomes Project 0.00080; 1000 Genomes Project 30x 0.00109; ExAC 0.00342.

Submission:

Illumina Laboratory Services, Illumina
Classification: Likely benign for Pyruvate dehydrogenase E1-beta deficiency. Last evaluated: 2018-01-13. Review status: criteria provided, single submitter. Criteria: ICSL Variant Classification Criteria 13 December 2019. Collection method: clinical testing. Allele origin: germline.
Comment: This variant was observed in the ICSL laboratory as part of a predisposition screen in an ostensibly healthy population. It had not been previously curated by ICSL or reported in the Human Gene Mutation Database (HGMD: prior to June 1st, 2018), and was therefore a candidate for classification through an automated scoring system. Utilizing variant allele frequency, disease prevalence and penetrance estimates, and inheritance mode, an automated score was calculated to assess if this variant is too frequent to cause the disease. Based on the score and internal cut-off values, a variant classified as likely benign is not then subjected to further curation. The score for this variant resulted in a classification of likely benign for this disease.

NM_000925.4(PDHB):c.*201T>C

Gene: PDHB (pyruvate dehydrogenase E1 subunit beta; minus strand). Cytogenetic location: 3p14.3.
Variant type: single nucleotide variant.
Coding change: c.*201T>C on transcript NM_000925.4 (MANE Select); 201 bases downstream of the stop codon, T replaced by C.
Molecular consequence: 3 prime UTR variant. On other transcripts: non-coding transcript variant (1).
Genome position (GRCh38, 1-based): chr3:58,427,833, A>G on the plus strand (T>C on the coding strand, the complement: PDHB is on the minus strand). VCF-style: chr3-58427833-A-G. GRCh37 (hg19) VCF-style: chr3-58413560-A-G.
Other names: c.*201T>C (NM_001173468.2, NM_001315536.2).
Identifiers: ClinVar variation 903459 (VCV000903459.4), dbSNP rs375277648, ClinGen allele CA2471341.
Genomic context (GRCh38, chr3:58,427,833, plus strand): 5'-TGAGAGAGGATAAAATGTTATATAATTTGTTATTCAAAGAACATGGCAACCGTAACAGAC[A>G]AAAGGAAGCATGGCATCTAGGGGAGGAGAGTGGAGAGTTTTCCATACACAAACACATTTA-3'